The following is an entry in ClinVar:

ClinVar aggregate classification (germline): Likely benign (0 of 4 stars; one submission).

Conditions:
BBS9-related disorder. Also called: BBS9-related condition.

Submission:

PreventionGenetics, part of Exact Sciences
Classification: Likely benign for BBS9-related condition. Last evaluated: 2023-05-19. Review status: no assertion criteria provided. Collection method: clinical testing. Allele origin: germline.
Comment: This variant is classified as likely benign based on ACMG/AMP sequence variant interpretation guidelines (Richards et al. 2015 PMID: 25741868, with internal and published modifications).

NM_198428.3(BBS9):c.1761A>C (p.Arg587=)

Gene: BBS9 (Bardet-Biedl syndrome 9; plus strand). Cytogenetic location: 7p14.3.
Variant type: single nucleotide variant.
Coding change: c.1761A>C on transcript NM_198428.3 (MANE Select); coding-DNA position 1761, A replaced by C.
Protein change: p.Arg587=; no amino-acid change (arginine 587 retained).
Molecular consequence: synonymous variant. On other transcripts: non-coding transcript variant (3).
Genome position (GRCh38, 1-based): chr7:33,367,834, A>C. VCF-style: chr7-33367834-A-C. GRCh37 (hg19) VCF-style: chr7-33407446-A-C.
Other names: c.1656A>C, p.Arg552= (NM_001033604.2); c.1746A>C, p.Arg582= (NM_001033605.2); c.1761A>C, p.Arg587= (NM_001348036.1, NM_001348041.4, NM_001348043.3 and 1 more transcripts); c.1395A>C, p.Arg465= (NM_001348037.3, NM_001348045.3, NM_001348046.3); c.1488A>C, p.Arg496= (NM_001348038.3); c.1383A>C, p.Arg461= (NM_001348039.3); c.1641A>C, p.Arg547= (NM_001348040.3, NM_014451.4); c.1626A>C, p.Arg542= (NM_001348042.3); and 1 more.
Identifiers: ClinVar variation 3356176 (VCV003356176.1).